The following is an entry in ClinVar:

NM_152594.3(SPRED1):c.91T>A (p.Trp31Arg)

Gene: SPRED1 (sprouty related EVH1 domain containing 1; plus strand). Cytogenetic location: 15q14.
Variant type: single nucleotide variant.
Coding change: c.91T>A on transcript NM_152594.3 (MANE Select); coding-DNA position 91, T replaced by A.
Protein change: p.Trp31Arg; replaces tryptophan 31 with arginine.
Molecular consequence: missense variant.
Genome position (GRCh38, 1-based): chr15:38,299,431, T>A. VCF-style: chr15-38299431-T-A. GRCh37 (hg19) VCF-style: chr15-38591632-T-A.
Other names: short protein forms W31R.
Identifiers: ClinVar variation 3340783 (VCV003340783.1).
Genomic context (GRCh38, chr15:38,299,431, plus strand): 5'-AGTAATAGTTATGCACGAGTGCGAGCTGTGGTGATGACCCGAGATGACTCAAGTGGTGGA[T>A]GGTTACCACTTGGAGGGAGTGGACTAAGCAGCGTCACTGTCTTCAAAGTCCCTCATCAGG-3'
Protein context (NP_689807.1, residues 21-41): VMTRDDSSGG[Trp31Arg]LPLGGSGLSS

ClinVar aggregate classification (germline): Uncertain significance (1 of 4 stars; one submission).

Submission:

GeneDx
Classification: Uncertain significance. Last evaluated: 2023-08-03. Review status: criteria provided, single submitter. Criteria: GeneDx Variant Classification Process June 2021. Collection method: clinical testing. Allele origin: germline. Affected: yes.
Comment: Not observed at significant frequency in large population cohorts (gnomAD); In silico analysis supports that this missense variant has a deleterious effect on protein structure/function; Published functional studies demonstrate this variant caused the formation of insoluble protein inclusion bodies during recombinant protein expression unlike the well-soluble wild-type variant (Fuhrer et al., 2019); This variant is associated with the following publications: (PMID: 31401120)